The following is an entry in ClinVar:

NM_032119.4(ADGRV1):c.7155G>T (p.Leu2385=)

Gene: ADGRV1 (adhesion G protein-coupled receptor V1; plus strand). Cytogenetic location: 5q14.3.
Variant type: single nucleotide variant.
Coding change: c.7155G>T on transcript NM_032119.4 (MANE Select); coding-DNA position 7155, G replaced by T.
Protein change: p.Leu2385=; no amino-acid change (leucine 2385 retained).
Molecular consequence: synonymous variant. On other transcripts: non-coding transcript variant (1).
Genome position (GRCh38, 1-based): chr5:90,693,911, G>T. VCF-style: chr5-90693911-G-T. GRCh37 (hg19) VCF-style: chr5-89989728-G-T.
Identifiers: ClinVar variation 680888 (VCV000680888.11), dbSNP rs369886529, ClinGen allele CA3339987.

ClinVar aggregate classification (germline): Conflicting classifications of pathogenicity. Review status: criteria provided, conflicting classifications (1 of 4 stars). 3 submissions from 3 submitters: Uncertain significance (1); Likely benign (2). Last evaluated 2026-01-19.

Allele frequency attached by ClinVar (database versions not stated): ESP Exome Variant Server 0.00008; TOPMed 0.00008; gnomAD 0.00009 and 0.00010; ExAC 0.00017.
gnomAD v4.1: 145 of 1,566,710 alleles (0.0093%); highest among the groups gnomAD compares: Non-Finnish European, 0.012%; no homozygotes.

Submissions (3):

Labcorp Genetics (formerly Invitae), Labcorp
Classification: Likely benign. Last evaluated: 2026-01-19. Review status: criteria provided, single submitter. Criteria: Invitae Variant Classification Sherloc (09022015). Collection method: clinical testing. Allele origin: germline.

GeneDx
Classification: Uncertain significance. Last evaluated: 2025-07-14. Review status: criteria provided, single submitter. Criteria: GeneDx Variant Classification Process June 2021. Collection method: clinical testing. Allele origin: germline. Affected: yes.
Comment: Has not been previously published as pathogenic or benign to our knowledge; In silico analysis suggests this variant may impact gene splicing. In the absence of RNA/functional studies, the actual effect of this sequence change is unknown.

Blueprint Genetics
Classification: Likely benign. Last evaluated: 2024-11-15. Review status: criteria provided, single submitter. Criteria: ACMG Guidelines, 2015. Collection method: clinical testing. Allele origin: germline.